The following is an entry in ClinVar:

ClinVar aggregate classification (germline): Likely benign (1 of 4 stars; one submission).

Allele frequency attached by ClinVar (database versions not stated): 1000 Genomes Project 30x 0.00172; 1000 Genomes Project 0.00200; ExAC 0.00323; TOPMed 0.00361; gnomAD 0.00366; ESP Exome Variant Server 0.00460.
gnomAD v4.1: 7,553 of 1,551,524 alleles (0.49%); highest among the groups gnomAD compares: Non-Finnish European, 0.59%; 29 homozygotes.

Submission:

CeGaT Center for Human Genetics Tuebingen
Classification: Likely benign. Last evaluated: 2026-09-01. Review status: criteria provided, single submitter. Criteria: CeGaT Center For Human Genetics Tuebingen Variant Classification Criteria Version 2. Collection method: clinical testing. Allele origin: germline. Affected: yes. Observed: 4 variant alleles.
Comment: SLA: BP4, BS2

NM_001045556.3(SLA):c.-320C>T

Genes: SLA (Src like adaptor; minus strand), TG (thyroglobulin; plus strand). Cytogenetic location: 8q24.22.
Variant type: single nucleotide variant.
Coding change: c.-320C>T on transcript NM_001045556.3 (MANE Select); 320 bases upstream of the start codon, C replaced by T.
Molecular consequence: 5 prime UTR variant. On other transcripts: missense variant (2), intron variant (1).
Genome position (GRCh38, 1-based): chr8:133,102,554, G>A on the plus strand (C>T on the coding strand, the complement: SLA is on the minus strand). VCF-style: chr8-133102554-G-A. GRCh37 (hg19) VCF-style: chr8-134114798-G-A.
Other names: c.10C>T, p.Arg4Trp (NM_001045557.3, NM_001282964.2); c.-265C>T (NM_001282965.2); c.7572+6181G>A (NM_003235.5); short protein forms R4W.
Identifiers: ClinVar variation 2658844 (VCV002658844.24), dbSNP rs186646388, ClinGen allele CA4885700.